The following is an entry in ClinVar:

ClinVar aggregate classification (germline): Likely benign. Review status: criteria provided, multiple submitters, no conflicts (2 of 4 stars). 4 submissions from 4 submitters: Likely benign (4). Last evaluated 2025-08-29.

Conditions:
Inborn genetic diseases. Identifiers: MedGen C0950123, MeSH D030342.
KDM1A-related disorder. Also called: KDM1A-related condition.

Submissions (4):

PreventionGenetics, part of Exact Sciences
Classification: Likely benign for KDM1A-related condition. Last evaluated: 2025-08-29. Review status: criteria provided, single submitter. Criteria: ACMG Guidelines, 2015. Collection method: clinical testing. Allele origin: germline.
Comment: This variant is classified as likely benign based on ACMG/AMP sequence variant interpretation guidelines (Richards et al. 2015 PMID: 25741868, with internal and published modifications).

Ambry Genetics
Classification: Likely benign for Inborn genetic diseases. Last evaluated: 2025-06-02. Review status: criteria provided, single submitter. Criteria: Ambry Variant Classification Scheme 2023. Collection method: clinical testing. Allele origin: germline.

Labcorp Genetics (formerly Invitae), Labcorp
Classification: Likely benign. Last evaluated: 2024-05-27. Review status: criteria provided, single submitter. Criteria: Invitae Variant Classification Sherloc (09022015). Collection method: clinical testing. Allele origin: germline.

Blueprint Genetics
Classification: Likely benign. Last evaluated: 2022-07-30. Review status: criteria provided, single submitter. Criteria: ACMG Guidelines, 2015. Collection method: clinical testing. Allele origin: germline.

NM_001009999.3(KDM1A):c.675G>A (p.Gln225=)

Gene: KDM1A (lysine demethylase 1A; plus strand). Cytogenetic location: 1p36.12.
Variant type: single nucleotide variant.
Coding change: c.675G>A on transcript NM_001009999.3 (MANE Select); coding-DNA position 675, G replaced by A.
Protein change: p.Gln225=; no amino-acid change (glutamine 225 retained).
Molecular consequence: synonymous variant.
Genome position (GRCh38, 1-based): chr1:23,050,484, G>A. VCF-style: chr1-23050484-G-A. GRCh37 (hg19) VCF-style: chr1-23376977-G-A.
Other names: c.675G>A (NM_001009999.2); c.615G>A, p.Gln205= (NM_001363654.2, NM_001410763.1, NM_015013.4); c.675G>A, p.Gln225= (NM_001410762.1).
Identifiers: ClinVar variation 3691012 (VCV003691012.5).